The following is an entry in ClinVar:

NM_017433.5(MYO3A):c.2867_2868inv (p.Ser956Asn)

Gene: MYO3A (myosin IIIA; plus strand). Cytogenetic location: 10p12.1.
Variant type: Inversion.
Coding change: c.2867_2868inv on transcript NM_017433.5 (MANE Select).
Protein change: p.Ser956Asn; replaces serine 956 with asparagine.
Molecular consequence: missense variant.
Genome position: GRCh38 VCF-style: chr10-26157383-GT-AC. GRCh37 (hg19) VCF-style: chr10-26446312-GT-AC.
Other names: short protein forms S956N.
Identifiers: ClinVar variation 3360006 (VCV003360006.1).

ClinVar aggregate classification (germline): Uncertain significance (1 of 4 stars; one submission).

Submission:

GeneDx
Classification: Uncertain significance. Last evaluated: 2023-06-21. Review status: criteria provided, single submitter. Criteria: GeneDx Variant Classification Process June 2021. Collection method: clinical testing. Allele origin: germline. Affected: yes.
Comment: Not observed at significant frequency in large population cohorts (gnomAD); In silico analysis supports that this variant does not alter protein structure/function; In silico analysis is inconclusive as to whether the variant alters gene splicing. In the absence of RNA/functional studies, the actual effect of this sequence change is unknown.; Has not been previously published as pathogenic or benign to our knowledge